The following is an entry in ClinVar:

ClinVar aggregate classification (germline): Uncertain significance (1 of 4 stars; one submission).

Submission:

Labcorp Genetics (formerly Invitae), Labcorp
Classification: Uncertain significance. Last evaluated: 2023-12-15. Review status: criteria provided, single submitter. Criteria: Invitae Variant Classification Sherloc (09022015). Collection method: clinical testing. Allele origin: germline.
Comment: This sequence change replaces alanine, which is neutral and non-polar, with serine, which is neutral and polar, at codon 1334 of the NOTCH3 protein (p.Ala1334Ser). This variant is not present in population databases (gnomAD no frequency). This variant has not been reported in the literature in individuals affected with NOTCH3-related conditions. Advanced modeling of protein sequence and biophysical properties (such as structural, functional, and spatial information, amino acid conservation, physicochemical variation, residue mobility, and thermodynamic stability) performed at Invitae indicates that this missense variant is not expected to disrupt NOTCH3 protein function with a negative predictive value of 95%. In summary, the available evidence is currently insufficient to determine the role of this variant in disease. Therefore, it has been classified as a Variant of Uncertain Significance.

NM_000435.3(NOTCH3):c.4000G>T (p.Ala1334Ser)

Gene: NOTCH3 (notch receptor 3; minus strand). Cytogenetic location: 19p13.12.
Variant type: single nucleotide variant.
Coding change: c.4000G>T on transcript NM_000435.3 (MANE Select); coding-DNA position 4000, G replaced by T.
Protein change: p.Ala1334Ser; replaces alanine 1334 with serine.
Molecular consequence: missense variant.
Genome position (GRCh38, 1-based): chr19:15,177,928, C>A on the plus strand (G>T on the coding strand, the complement: NOTCH3 is on the minus strand). VCF-style: chr19-15177928-C-A. GRCh37 (hg19) VCF-style: chr19-15288739-C-A.
Other names: short protein forms A1334S.
Identifiers: ClinVar variation 2784377 (VCV002784377.3), dbSNP rs2046805801, ClinGen allele CA404505562.